The following is an entry in ClinVar:

NM_002968.3(SALL1):c.2273C>A (p.Ala758Asp)

Gene: SALL1 (spalt like transcription factor 1; minus strand). Cytogenetic location: 16q12.1.
Variant type: single nucleotide variant.
Coding change: c.2273C>A on transcript NM_002968.3 (MANE Select); coding-DNA position 2273, C replaced by A.
Protein change: p.Ala758Asp; replaces alanine 758 with aspartic acid.
Molecular consequence: missense variant.
Genome position (GRCh38, 1-based): chr16:51,139,949, G>T on the plus strand (C>A on the coding strand, the complement: SALL1 is on the minus strand). VCF-style: chr16-51139949-G-T. GRCh37 (hg19) VCF-style: chr16-51173860-G-T.
Other names: c.1982C>A, p.Ala661Asp (NM_001127892.2); short protein forms A758D, A661D.
Identifiers: ClinVar variation 2320444 (VCV002320444.3), dbSNP rs1597229183, ClinGen allele CA395885729.

ClinVar aggregate classification (germline): Uncertain significance. Review status: criteria provided, multiple submitters, no conflicts (2 of 4 stars). 2 submissions from 2 submitters: Uncertain significance (2). Last evaluated 2024-11-25.

Conditions:
Inborn genetic diseases. Identifiers: MedGen C0950123, MeSH D030342.

Submissions (2):

GeneDx
Classification: Uncertain significance. Last evaluated: 2024-11-25. Review status: criteria provided, single submitter. Criteria: GeneDx Variant Classification Process June 2021. Collection method: clinical testing. Allele origin: germline. Affected: yes.
Comment: Not observed at significant frequency in large population cohorts (gnomAD); In silico analysis supports that this missense variant has a deleterious effect on protein structure/function; Has not been previously published as pathogenic or benign to our knowledge

Ambry Genetics
Classification: Uncertain significance for Inborn genetic diseases. Last evaluated: 2022-10-26. Review status: criteria provided, single submitter. Criteria: Ambry Variant Classification Scheme 2023. Collection method: clinical testing. Allele origin: germline.